The following is an entry in ClinVar:

NM_001458.5(FLNC):c.3790+5G>C

Gene: FLNC (filamin C; plus strand). Cytogenetic location: 7q32.1.
Variant type: single nucleotide variant.
Coding change: c.3790+5G>C on transcript NM_001458.5 (MANE Select); 5 bases into the intron after coding-DNA position 3790, G replaced by C.
Molecular consequence: intron variant.
Genome position (GRCh38, 1-based): chr7:128,845,260, G>C. VCF-style: chr7-128845260-G-C. GRCh37 (hg19) VCF-style: chr7-128485314-G-C.
Other names: c.3790+5G>C (NM_001458.4, NM_001127487.2).
Identifiers: ClinVar variation 1403196 (VCV001403196.8), dbSNP rs199917473, ClinGen allele CA833143200.

ClinVar aggregate classification (germline): Uncertain significance. Review status: criteria provided, multiple submitters, no conflicts (2 of 4 stars). 2 submissions from 2 submitters: Uncertain significance (2). Last evaluated 2024-04-04.

Conditions:
Hypertrophic cardiomyopathy 26. Also called: Cardiomyopathy, familial hypertrophic, 26. Identifiers: Orphanet 75249, MedGen C4310749, MONDO:0014883, OMIM 617047.
Myofibrillar myopathy 5. Also called: FILAMINOPATHY, AUTOSOMAL DOMINANT; Filaminopathy (type). Identifiers: Orphanet 171445, MedGen C1836050, MONDO:0012289, OMIM 609524.
Distal myopathy with posterior leg and anterior hand involvement. Also called: WILLIAMS DISTAL MYOPATHY. Identifiers: Orphanet 63273, MedGen C3279722, MONDO:0013550, OMIM 614065.
Cardiovascular phenotype. Identifiers: MedGen CN230736.

gnomAD v4.1: 2 of 1,610,108 alleles (0.00012%); highest among the groups gnomAD compares: African/African-American, 0.0027%; no homozygotes.

Submissions (2):

Labcorp Genetics (formerly Invitae), Labcorp
Classification: Uncertain significance for Distal myopathy with posterior leg and anterior hand involvement; Myofibrillar myopathy 5; Hypertrophic cardiomyopathy 26. Last evaluated: 2024-04-04. Review status: criteria provided, single submitter. Criteria: Invitae Variant Classification Sherloc (09022015). Collection method: clinical testing. Allele origin: germline.
Comment: This sequence change falls in intron 21 of the FLNC gene. It does not directly change the encoded amino acid sequence of the FLNC protein. It affects a nucleotide within the consensus splice site. This variant is not present in population databases (gnomAD no frequency). This variant has not been reported in the literature in individuals affected with FLNC-related conditions. ClinVar contains an entry for this variant (Variation ID: 1403196). Variants that disrupt the consensus splice site are a relatively common cause of aberrant splicing (PMID: 17576681, 9536098). Algorithms developed to predict the effect of sequence changes on RNA splicing suggest that this variant may disrupt the consensus splice site. In summary, the available evidence is currently insufficient to determine the role of this variant in disease. Therefore, it has been classified as a Variant of Uncertain Significance.

Ambry Genetics
Classification: Uncertain significance for Cardiovascular phenotype. Last evaluated: 2024-01-02. Review status: criteria provided, single submitter. Criteria: Ambry Variant Classification Scheme 2023. Collection method: clinical testing. Allele origin: germline.
Comment: The c.3790+5G>C intronic variant results from a G to C substitution 5 nucleotides after coding exon 21 in the FLNC gene. This nucleotide position is highly conserved in available vertebrate species. In silico splice site analysis predicts that this alteration will weaken the native splice donor site and will result in the creation or strengthening of a novel splice donor site. Since supporting evidence is limited at this time, the clinical significance of this alteration remains unclear.

Literature cited by the submitters: PubMed 17576681 (cited by Labcorp Genetics (formerly Invitae), Labcorp); PubMed 9536098 (cited by Labcorp Genetics (formerly Invitae), Labcorp).